The following is an entry in ClinVar:

NM_013336.4(SEC61A1):c.817C>A (p.Arg273Ser)

Genes: RUVBL1 (RuvB like AAA ATPase 1; minus strand), SEC61A1 (SEC61 translocon subunit alpha 1; plus strand). Cytogenetic location: 3q21.3.
Variant type: single nucleotide variant.
Coding change: c.817C>A on transcript NM_013336.4 (MANE Select); coding-DNA position 817, C replaced by A.
Protein change: p.Arg273Ser; replaces arginine 273 with serine.
Molecular consequence: missense variant. On other transcripts: intron variant (1).
Genome position (GRCh38, 1-based): chr3:128,066,993, C>A. VCF-style: chr3-128066993-C-A. GRCh37 (hg19) VCF-style: chr3-127785836-C-A.
Other names: c.835C>A, p.Arg279Ser (NM_001400328.1); c.658C>A, p.Arg220Ser (NM_001400329.1); c.940-1773G>T (NM_001319086.1); short protein forms R273S, R220S, R279S.
Identifiers: ClinVar variation 1462983 (VCV001462983.8), dbSNP rs2107650889, ClinGen allele CA354399271.
Genomic context (GRCh38, chr3:128,066,993, plus strand): 5'-TGGTTCTGTTTGGCTTCTCAGGGCTTCCGAGTGGACCTGCCAATCAAGTCGGCCCGCTAC[C>A]GTGGCCAGTACAACACCTATCCCATCAAGCTCTTCTATACGTCCAACATCCCCATCATCC-3'
Protein context (NP_037468.1, residues 263-283): VDLPIKSARY[Arg273Ser]GQYNTYPIKL

ClinVar aggregate classification (germline): Uncertain significance (1 of 4 stars; one submission).

Submission:

Labcorp Genetics (formerly Invitae), Labcorp
Classification: Uncertain significance. Last evaluated: 2023-10-13. Review status: criteria provided, single submitter. Criteria: Invitae Variant Classification Sherloc (09022015). Collection method: clinical testing. Allele origin: germline.
Comment: This sequence change replaces arginine, which is basic and polar, with serine, which is neutral and polar, at codon 273 of the SEC61A1 protein (p.Arg273Ser). This variant is not present in population databases (gnomAD no frequency). This variant has not been reported in the literature in individuals affected with SEC61A1-related conditions. ClinVar contains an entry for this variant (Variation ID: 1462983). Advanced modeling of protein sequence and biophysical properties (such as structural, functional, and spatial information, amino acid conservation, physicochemical variation, residue mobility, and thermodynamic stability) performed at Invitae indicates that this missense variant is not expected to disrupt SEC61A1 protein function. In summary, the available evidence is currently insufficient to determine the role of this variant in disease. Therefore, it has been classified as a Variant of Uncertain Significance.